The following is an entry in ClinVar:

NM_000169.3(GLA):c.895_908del (p.Asp299fs)

Genes: GLA (galactosidase alpha; minus strand), RPL36A-HNRNPH2 (RPL36A-HNRNPH2 readthrough; plus strand). Cytogenetic location: Xq22.1.
Variant type: Deletion.
Coding change: c.895_908del on transcript NM_000169.3 (MANE Select); coding-DNA positions 895 to 908, 14 bases deleted (GACCTCCGACACAT).
Protein change: p.Asp299fs; shifts the reading frame from aspartic acid 299.
Molecular consequence: frameshift variant. On other transcripts: non-coding transcript variant (3), intron variant (2).
Genome position (GRCh38, 1-based): chrX:101,398,461-101,398,474, ATGTGTCGGAGGTC deleted on the plus strand (GACCTCCGACACAT on the coding strand, the reverse complement: GLA is on the minus strand); deleting any 14 consecutive bases within chrX:101,398,461-101,398,476 gives the same sequence; the c. name uses the placement nearest the transcript's 3' end. VCF-style (leftmost placement, unchanged base first): chrX-101398460-GATGTGTCGGAGGTC-G. GRCh37 (hg19) VCF-style: chrX-100653448-GATGTGTCGGAGGTC-G.
Other names: c.1018_1031del, p.Asp340fs (NM_001406747.1); c.895_908del, p.Asp299fs (NM_001406748.1); c.300+3006_300+3019del (NM_001199973.2); c.177+6641_177+6654del (NM_001199974.2); short protein forms D299fs, D340fs.
Identifiers: ClinVar variation 4087022 (VCV004087022.2).

ClinVar aggregate classification (germline): Pathogenic (1 of 4 stars; one submission).

Conditions:
Fabry disease. Also called: ALPHA-GALACTOSIDASE A DEFICIENCY; ANDERSON-FABRY DISEASE; CERAMIDE TRIHEXOSIDASE DEFICIENCY; GLA DEFICIENCY; HEREDITARY DYSTOPIC LIPIDOSIS; Angiokeratoma corporis diffusum. Identifiers: Orphanet 324, MedGen C0002986, MONDO:0010526, OMIM 301500, HP:0001071. Disease mechanism: Fabry disease is due to inactivating mutations in the X-linked GLA gene resulting in deficiency of the enzyme Alpha Galactosidase-A., loss of function.

Submission:

Genomenon, Inc
Classification: Pathogenic for Fabry disease. Last evaluated: 2026-09-08. Review status: criteria provided, single submitter. Criteria: Genomenon Sequence Variant Interpretation Standards - Updated. Collection method: curation. Allele origin: germline. Affected: yes.
Comment: GLA p.Asp299GlnfsTer11 (c.895_908del) is a frameshift variant that is predicted to introduce a premature termination codon and result in a truncated or absent protein product. This variant has been observed in at least one proband with clinical features consistent with Fabry disease (PMID:25984041). It is absent or not present at a significant frequency in gnomAD. In conclusion, we classify GLA p.Asp299GlnfsTer11 (c.895_908del) as a pathogenic variant.

Literature cited by the submitters: PubMed 25984041.